The following is an entry in ClinVar:

NM_000535.7(PMS2):c.163+1G>T

Gene: PMS2 (PMS1 homolog 2, mismatch repair system component; minus strand). Cytogenetic location: 7p22.1.
Variant type: single nucleotide variant.
Coding change: c.163+1G>T on transcript NM_000535.7 (MANE Select); the canonical splice donor site of the intron after coding-DNA position 163, G replaced by T.
Molecular consequence: splice donor variant. On other transcripts: intron variant (7).
Genome position (GRCh38, 1-based): chr7:6,005,891, C>A on the plus strand (G>T on the coding strand, the complement: PMS2 is on the minus strand). VCF-style: chr7-6005891-C-A. GRCh37 (hg19) VCF-style: chr7-6045522-C-A.
Other names: c.163+1G>T (NM_000535.5, NM_001406885.1, NM_001406886.1 and 11 more transcripts); c.-52-1833G>T (NM_001322008.2); c.-218-1833G>T (NM_001406881.1); c.-189-1833G>T (NM_001406895.1); c.-242-1833G>T (NM_001406911.1, NM_001322010.2, NM_001322004.2); c.-321-1833G>T (NM_001406879.1); c.-53+1G>T (NM_001406902.1, NM_001406883.1, NM_001406896.1 and 4 more transcripts); c.-190+1G>T (NM_001406904.1, NM_001406889.1, NM_001406909.1 and 5 more transcripts); and 7 more.
Identifiers: ClinVar variation 1332637 (VCV001332637.11), dbSNP rs1064795705, ClinGen allele CA366744941.

ClinVar aggregate classification (germline): Pathogenic/Likely pathogenic. Review status: criteria provided, multiple submitters, no conflicts (2 of 4 stars). 5 submissions from 5 submitters: Pathogenic (2); Likely pathogenic (3). Last evaluated 2026-03-17.

Conditions:
Hereditary cancer-predisposing syndrome. Also called: Hereditary Cancer Syndrome; Neoplastic Syndromes, Hereditary; Hereditary neoplastic syndrome; Tumor predisposition. Identifiers: Orphanet 140162, MedGen C0027672, MeSH D009386, MONDO:0015356.
Lynch syndrome 4 (LYNCH4). Also called: Colorectal cancer, hereditary nonpolyposis, type 4; Hereditary non-polyposis colorectal cancer, type 4. Identifiers: Orphanet 144, MedGen C1838333, MONDO:0013699, OMIM 614337. Disease mechanism: loss of function.
Hereditary nonpolyposis colorectal neoplasms. Identifiers: MedGen C0009405, MeSH D003123.

Submissions (5):

GeneDx
Classification: Pathogenic. Last evaluated: 2026-03-17. Review status: criteria provided, single submitter. Criteria: GeneDx Variant Classification Process June 2021. Collection method: clinical testing. Allele origin: germline.
Comment: Canonical splice site variant predicted to result in a null allele in a gene for which loss of function is a known mechanism of disease; Not observed at significant frequency in large population cohorts (gnomAD); This variant is associated with the following publications: (PMID: 38311346)

Molecular Pathology, Peter Maccallum Cancer Centre
Classification: Pathogenic for Lynch syndrome 4. Last evaluated: 2024-04-15. Review status: criteria provided, single submitter. Criteria: ACMG Guidelines, 2015. Collection method: clinical testing. Allele origin: germline. Inheritance: Autosomal dominant inheritance.

Myriad Genetics, Inc.
Classification: Likely pathogenic for Lynch syndrome 4. Last evaluated: 2023-09-18. Review status: criteria provided, single submitter. Criteria: Myriad Autosomal Dominant, Autosomal Recessive and X-Linked Classification Criteria (2023). Collection method: clinical testing. Allele origin: unknown.
Comment: This variant is considered likely pathogenic. This variant occurs within a consensus splice junction and is predicted to result in abnormal mRNA splicing of either an out-of-frame exon or an in-frame exon necessary for protein stability and/or normal function.

Labcorp Genetics (formerly Invitae), Labcorp
Classification: Likely pathogenic for Hereditary nonpolyposis colorectal neoplasms. Last evaluated: 2022-08-26. Review status: criteria provided, single submitter. Criteria: Invitae Variant Classification Sherloc (09022015). Collection method: clinical testing. Allele origin: germline.
Comment: In summary, the currently available evidence indicates that the variant is pathogenic, but additional data are needed to prove that conclusively. Therefore, this variant has been classified as Likely Pathogenic. Algorithms developed to predict the effect of sequence changes on RNA splicing suggest that this variant may disrupt the consensus splice site. ClinVar contains an entry for this variant (Variation ID: 1332637). This variant has not been reported in the literature in individuals affected with PMS2-related conditions. This variant is not present in population databases (gnomAD no frequency). This sequence change affects a donor splice site in intron 2 of the PMS2 gene. It is expected to disrupt RNA splicing. Variants that disrupt the donor or acceptor splice site typically lead to a loss of protein function (PMID: 16199547), and loss-of-function variants in PMS2 are known to be pathogenic (PMID: 21376568, 24362816).

Color Diagnostics, LLC DBA Color Health
Classification: Likely pathogenic for Hereditary cancer-predisposing syndrome. Last evaluated: 2021-06-28. Review status: criteria provided, single submitter. Criteria: ACMG Guidelines, 2015. Collection method: clinical testing. Allele origin: germline.
Comment: This variant causes a G to T nucleotide substitution at the +1 position of intron 2 of the PMS2 gene. Splice site prediction tools predict that this variant may have a significant impact on RNA splicing. Although this prediction has not been confirmed in published RNA studies, this variant is expected to result in an absent or disrupted protein product. This variant has not been reported in individuals affected with hereditary cancer in the literature. This variant has not been identified in the general population by the Genome Aggregation Database (gnomAD). Loss of PMS2 function is a known mechanism of disease. Based on the available evidence, this variant is classified as Likely Pathogenic.

Literature cited by the submitters: PubMed 16199547 (cited by Labcorp Genetics (formerly Invitae), Labcorp); PubMed 21376568 (cited by Labcorp Genetics (formerly Invitae), Labcorp); PubMed 24362816 (cited by Labcorp Genetics (formerly Invitae), Labcorp).